The following is an entry in ClinVar:

ClinVar aggregate classification (germline): Uncertain significance (1 of 4 stars; one submission).

gnomAD v4.1: 1 of 1,612,612 alleles (0.000062%); highest among the groups gnomAD compares: Non-Finnish European, 0.000085%; no homozygotes.

Submission:

Greenwood Genetic Center Diagnostic Laboratories, Greenwood Genetic Center
Classification: Uncertain significance. Last evaluated: 2025-12-10. Review status: criteria provided, single submitter. Criteria: ACMG Guidelines, 2015. Collection method: clinical testing. Allele origin: germline. Affected: yes.
Comment: PM2, BP4

NM_002609.4(PDGFRB):c.1122G>C (p.Glu374Asp)

Gene: PDGFRB (platelet derived growth factor receptor beta; minus strand). Cytogenetic location: 5q32.
Variant type: single nucleotide variant.
Coding change: c.1122G>C on transcript NM_002609.4 (MANE Select); coding-DNA position 1122, G replaced by C.
Protein change: p.Glu374Asp; replaces glutamic acid 374 with aspartic acid.
Molecular consequence: missense variant.
Genome position (GRCh38, 1-based): chr5:150,132,755, C>G on the plus strand (G>C on the coding strand, the complement: PDGFRB is on the minus strand). VCF-style: chr5-150132755-C-G. GRCh37 (hg19) VCF-style: chr5-149512318-C-G.
Other names: c.930G>C, p.Glu310Asp (NM_001355016.2); c.639G>C, p.Glu213Asp (NM_001355017.2); short protein forms E213D, E310D, E374D.
Identifiers: ClinVar variation 4845521 (VCV004845521.1).